The following is an entry in ClinVar:

ClinVar aggregate classification (germline): Uncertain significance (1 of 4 stars; one submission).

Conditions:
Mucopolysaccharidosis, MPS-III-B (MPS3B). Also called: N-ACETYL-ALPHA-D-GLUCOSAMINIDASE DEFICIENCY; NAGLU DEFICIENCY; SANFILIPPO SYNDROME B; MPS III B; Mucopolysaccharidosis type IIIB (Sanfilippo B); MPS IIIB (Sanfilippo Syndrome Type B). Identifiers: Orphanet 79270, MedGen C0086648, MONDO:0009656, OMIM 252920.
Charcot-Marie-Tooth disease axonal type 2V. Also called: CHARCOT-MARIE-TOOTH NEUROPATHY, TYPE 2V; CHARCOT-MARIE-TOOTH DISEASE, AXONAL, AUTOSOMAL DOMINANT, TYPE 2V. Identifiers: Orphanet 447964, MedGen C5569050, MONDO:0014665, OMIM 616491.

Allele frequency attached by ClinVar (database versions not stated): gnomAD 0.00001; TOPMed 0.00001; gnomAD exomes below 0.00001.

Submission:

Labcorp Genetics (formerly Invitae), Labcorp
Classification: Uncertain significance for Charcot-Marie-Tooth disease axonal type 2V; Mucopolysaccharidosis, MPS-III-B. Last evaluated: 2022-07-11. Review status: criteria provided, single submitter. Criteria: Invitae Variant Classification Sherloc (09022015). Collection method: clinical testing. Allele origin: germline.
Comment: This sequence change replaces alanine, which is neutral and non-polar, with threonine, which is neutral and polar, at codon 687 of the NAGLU protein (p.Ala687Thr). This variant is not present in population databases (gnomAD no frequency). This variant has not been reported in the literature in individuals affected with NAGLU-related conditions. Advanced modeling of protein sequence and biophysical properties (such as structural, functional, and spatial information, amino acid conservation, physicochemical variation, residue mobility, and thermodynamic stability) performed at Invitae indicates that this missense variant is not expected to disrupt NAGLU protein function. In summary, the available evidence is currently insufficient to determine the role of this variant in disease. Therefore, it has been classified as a Variant of Uncertain Significance.

NM_000263.4(NAGLU):c.2059G>A (p.Ala687Thr)

Gene: NAGLU (N-acetyl-alpha-glucosaminidase; plus strand). Cytogenetic location: 17q21.2.
Variant type: single nucleotide variant.
Coding change: c.2059G>A on transcript NM_000263.4 (MANE Select); coding-DNA position 2059, G replaced by A.
Protein change: p.Ala687Thr; replaces alanine 687 with threonine.
Molecular consequence: missense variant.
Genome position (GRCh38, 1-based): chr17:42,544,065, G>A. VCF-style: chr17-42544065-G-A. GRCh37 (hg19) VCF-style: chr17-40696083-G-A.
Other names: short protein forms A687T.
Identifiers: ClinVar variation 2016110 (VCV002016110.1), dbSNP rs1422268859, ClinGen allele CA399606037.
Genomic context (GRCh38, chr17:42,544,065, plus strand): 5'-GTGGCCAACTACTACACCCCTCGCTGGCGGCTTTTCCTGGAGGCGCTGGTTGACAGTGTG[G>A]CCCAGGGCATCCCTTTCCAACAGCACCAGTTTGACAAAAATGTCTTCCAACTGGAGCAGG-3'
Protein context (NP_000254.2, residues 677-697): LFLEALVDSV[Ala687Thr]QGIPFQQHQF